The following is an entry in ClinVar:

ClinVar aggregate classification (germline): Pathogenic. Review status: criteria provided, single submitter (1 of 4 stars). 2 submissions from 2 submitters: Pathogenic (1). 1 of the submissions does not count toward it. Last evaluated 2018-04-16.

Conditions:
NEURODEVELOPMENTAL DISORDER, X-LINKED, WITH POOR OR ABSENT SPEECH AND BEHAVIORAL ABNORMALITIES (NEDXSB). Identifiers: MedGen CN381607, OMIM 301164.

Submissions (2):

GeneDx
Classification: Pathogenic. Last evaluated: 2018-04-16. Review status: criteria provided, single submitter. Criteria: GeneDx Variant Classification (06012015). Collection method: clinical testing. Allele origin: germline. Affected: yes.
Comment: The Q1227X variant in the IQSEC2 gene has not been reported previously as a pathogenic variant nor as a benign variant, to our knowledge. This variant is predicted to cause loss of normal protein function through protein truncation, as the last 262 amino acids are lost. The Q1227X variant is not observed in large population cohorts (Lek et al., 2016). We interpret Q1227X as a pathogenic variant.

OMIM
Classification: Pathogenic for NEURODEVELOPMENTAL DISORDER, X-LINKED, WITH ABSENT SPEECH AND BEHAVIORAL ABNORMALITIES. Last evaluated: 2026-04-15. Review status: no assertion criteria provided. Collection method: literature only. Allele origin: germline. Not counted in ClinVar's aggregate classification.

Literature cited by the submitters: PubMed 38200111 (cited by OMIM).

NM_001111125.3(IQSEC2):c.3679C>T (p.Gln1227Ter)

Gene: IQSEC2 (IQ motif and Sec7 domain ArfGEF 2; minus strand). Cytogenetic location: Xp11.22.
Variant type: single nucleotide variant.
Coding change: c.3679C>T on transcript NM_001111125.3 (MANE Select); coding-DNA position 3679, C replaced by T.
Protein change: p.Gln1227Ter; replaces glutamine 1227 with a stop codon.
Molecular consequence: nonsense. On other transcripts: 3 prime UTR variant (1).
Genome position (GRCh38, 1-based): chrX:53,235,007, G>A on the plus strand (C>T on the coding strand, the complement: IQSEC2 is on the minus strand). VCF-style: chrX-53235007-G-A. GRCh37 (hg19) VCF-style: chrX-53264189-G-A.
Other names: c.*164C>T (NM_015075.2); short protein forms Q1227*.
Identifiers: ClinVar variation 523861 (VCV000523861.3), dbSNP rs1556859257, ClinGen allele CA413141517.